The following is an entry in ClinVar:

NM_005002.5(NDUFA9):c.655+4C>T

Gene: NDUFA9 (NADH:ubiquinone oxidoreductase subunit A9; plus strand). Cytogenetic location: 12p13.32.
Variant type: single nucleotide variant.
Coding change: c.655+4C>T on transcript NM_005002.5 (MANE Select); 4 bases into the intron after coding-DNA position 655, C replaced by T.
Molecular consequence: intron variant.
Genome position (GRCh38, 1-based): chr12:4,662,639, C>T. VCF-style: chr12-4662639-C-T. GRCh37 (hg19) VCF-style: chr12-4771805-C-T.
Identifiers: ClinVar variation 2426176 (VCV002426176.6), dbSNP rs201326871, ClinGen allele CA6398165.

ClinVar aggregate classification (germline): Uncertain significance (1 of 4 stars; one submission).

Allele frequency attached by ClinVar (database versions not stated): gnomAD exomes 0.00005; ExAC 0.00006; TOPMed 0.00009; gnomAD 0.00011; ESP Exome Variant Server 0.00015.

Submission:

Labcorp Genetics (formerly Invitae), Labcorp
Classification: Uncertain significance. Last evaluated: 2022-08-25. Review status: criteria provided, single submitter. Criteria: Invitae Variant Classification Sherloc (09022015). Collection method: clinical testing. Allele origin: germline.
Comment: In summary, the available evidence is currently insufficient to determine the role of this variant in disease. Therefore, it has been classified as a Variant of Uncertain Significance. Variants that disrupt the consensus splice site are a relatively common cause of aberrant splicing (PMID: 17576681, 9536098). Algorithms developed to predict the effect of sequence changes on RNA splicing suggest that this variant is not likely to affect RNA splicing. This variant has not been reported in the literature in individuals affected with NDUFA9-related conditions. This variant is present in population databases (rs201326871, gnomAD 0.01%). This sequence change falls in intron 6 of the NDUFA9 gene. It does not directly change the encoded amino acid sequence of the NDUFA9 protein. It affects a nucleotide within the consensus splice site.

Literature cited by the submitters: PubMed 17576681; PubMed 9536098.